The following is an entry in ClinVar:

NM_001370100.5(ZMYND11):c.127C>T (p.Arg43Ter)

Gene: ZMYND11 (zinc finger MYND-type containing 11; plus strand). Cytogenetic location: 10p15.3.
Variant type: single nucleotide variant.
Coding change: c.127C>T on transcript NM_001370100.5 (MANE Select); coding-DNA position 127, C replaced by T.
Protein change: p.Arg43Ter; replaces arginine 43 with a stop codon.
Molecular consequence: nonsense. On other transcripts: non-coding transcript variant (1), intron variant (1).
Genome position (GRCh38, 1-based): chr10:209,899, C>T. VCF-style: chr10-209899-C-T. GRCh37 (hg19) VCF-style: chr10-255839-C-T.
Other names: c.127C>T, p.Arg43Ter (NM_001202464.3, NM_001202465.3, NM_001202466.3 and 24 more transcripts); c.76C>T, p.Arg26Ter (NM_001330057.3, NM_001370112.2, NM_001370123.2); c.61C>T, p.Arg21Ter (NM_001370116.2, NM_001370120.2); c.7C>T, p.Arg3Ter (NM_001370118.2, NM_001370121.2); c.-33-26939C>T (NM_001370124.3); short protein forms R21*, R26*, R3*, R43*.
Identifiers: ClinVar variation 3897871 (VCV003897871.4).

ClinVar aggregate classification (germline): Pathogenic/Likely pathogenic. Review status: criteria provided, multiple submitters, no conflicts (2 of 4 stars). 3 submissions from 3 submitters: Pathogenic (2); Likely pathogenic (1). Last evaluated 2025-08-11.

Conditions:
Intellectual developmental disorder, autosomal dominant 30, with speech delay and behavioral abnormalities. Also called: Intellectual disability, autosomal dominant 30. Identifiers: Orphanet 436151, MedGen C4015167, MONDO:0014486, OMIM 616083.
ZMYND11-related disorder. Also called: ZMYND11-related condition.

Submissions (3):

Victorian Clinical Genetics Services, Murdoch Childrens Research Institute
Classification: Pathogenic for Intellectual developmental disorder, autosomal dominant 30, with speech delay and behavioral abnormalities. Last evaluated: 2025-08-11. Review status: criteria provided, single submitter. Criteria: ACMG Guidelines, 2015. Collection method: clinical testing. Allele origin: germline. Affected: yes.
Comment: This variant is classified as Pathogenic. Evidence in support of pathogenic classification: Variant is predicted to cause nonsense-mediated decay (NMD) and loss of protein (premature termination codon is located at least 54 nucleotides upstream of the final exon-exon junction); Variant is absent from gnomAD (v2, v3 and v4); This variant has limited previous evidence of pathogenicity in an unrelated individual. This variant has been classified as pathogenic by a clinical laboratory (ClinVar); Other NMD-predicted variants comparable to the one identified in this case have very strong previous evidence for pathogenicity (DECIPHER); Additional information: This variant is heterozygous; This gene is associated with autosomal dominant disease; Loss of function is a known mechanism of disease in this gene and is associated with autosomal dominant intellectual developmental disorder 30 (MIM#616083). The mechanism of disease for missense variants is unclear.

Center of Human Genetics, Hôpital Erasme
Classification: Pathogenic for Intellectual developmental disorder, autosomal dominant 30, with speech delay and behavioral abnormalities. Last evaluated: 2025-01-01. Review status: criteria provided, single submitter. Criteria: ACMG Guidelines, 2015. Collection method: clinical testing. Allele origin: inherited. Affected: yes.

Blueprint Genetics
Classification: Likely pathogenic for ZMYND11-related disorders. Last evaluated: 2021-04-27. Review status: criteria provided, single submitter. Criteria: ACMG Guidelines, 2015. Collection method: clinical testing. Allele origin: germline. Affected: yes. Observed: 3 variant alleles.